The following is an entry in ClinVar:

ClinVar aggregate classification (germline): Uncertain significance (1 of 4 stars; one submission).

Conditions:
Developmental and epileptic encephalopathy, 23 (DEE23). Also called: Epileptic encephalopathy, early infantile, 23. Identifiers: Orphanet 411986, MedGen C4014492, MONDO:0014371, OMIM 615859.

Allele frequency attached by ClinVar (database versions not stated): gnomAD exomes below 0.00001 and 0.00001; TOPMed below 0.00001; gnomAD 0.00001.
gnomAD v4.1: 5 of 1,549,112 alleles (0.00032%); highest among the groups gnomAD compares: African/African-American, 0.0069%; no homozygotes.

Submission:

Labcorp Genetics (formerly Invitae), Labcorp
Classification: Uncertain significance for Developmental and epileptic encephalopathy, 23. Last evaluated: 2023-08-17. Review status: criteria provided, single submitter. Criteria: Invitae Variant Classification Sherloc (09022015). Collection method: clinical testing. Allele origin: germline.
Comment: In summary, the available evidence is currently insufficient to determine the role of this variant in disease. Therefore, it has been classified as a Variant of Uncertain Significance. An algorithm developed to predict the effect of missense changes on protein structure and function (PolyPhen-2) suggests that this variant is likely to be tolerated. ClinVar contains an entry for this variant (Variation ID: 836157). This variant has not been reported in the literature in individuals affected with DOCK7-related conditions. This variant is present in population databases (no rsID available, gnomAD 0.01%). This sequence change replaces threonine, which is neutral and polar, with isoleucine, which is neutral and non-polar, at codon 952 of the DOCK7 protein (p.Thr952Ile).

NM_001367561.1(DOCK7):c.2855C>T (p.Thr952Ile)

Gene: DOCK7 (dedicator of cytokinesis 7; minus strand). Cytogenetic location: 1p31.3.
Variant type: single nucleotide variant.
Coding change: c.2855C>T on transcript NM_001367561.1 (MANE Select); coding-DNA position 2855, C replaced by T.
Protein change: p.Thr952Ile; replaces threonine 952 with isoleucine.
Molecular consequence: missense variant. On other transcripts: intron variant (3).
Genome position (GRCh38, 1-based): chr1:62,544,951, G>A on the plus strand (C>T on the coding strand, the complement: DOCK7 is on the minus strand). VCF-style: chr1-62544951-G-A. GRCh37 (hg19) VCF-style: chr1-63010622-G-A.
Other names: c.2855C>T, p.Thr952Ile (NM_001271999.2, NM_001330614.2); c.2767-1206C>T (NM_001272001.2, NM_001272000.2, NM_033407.4); short protein forms T952I.
Identifiers: ClinVar variation 836157 (VCV000836157.10), dbSNP rs1310945287, ClinGen allele CA340615586.